The following is an entry in ClinVar:

ClinVar aggregate classification (germline): Conflicting classifications of pathogenicity. Review status: criteria provided, conflicting classifications (1 of 4 stars). 2 submissions from 2 submitters: Uncertain significance (1); Likely benign (1). Last evaluated 2026-07-06.

Conditions:
Hereditary cancer-predisposing syndrome. Also called: Neoplastic Syndromes, Hereditary; Tumor predisposition; Hereditary Cancer Syndrome; Hereditary neoplastic syndrome. Identifiers: Orphanet 140162, MedGen C0027672, MeSH D009386, MONDO:0015356.
MAX-related disorder. Also called: MAX-related condition.

gnomAD v4.1: 39 of 1,610,404 alleles (0.0024%); highest among the groups gnomAD compares: South Asian, 0.043%; no homozygotes.

Submissions (2):

Ambry Genetics
Classification: Likely benign for Hereditary cancer-predisposing syndrome. Last evaluated: 2026-07-06. Review status: criteria provided, single submitter. Criteria: Ambry Variant Classification Scheme 2023. Collection method: clinical testing. Allele origin: germline.

PreventionGenetics, part of Exact Sciences
Classification: Uncertain significance for MAX-related condition. Last evaluated: 2026-03-30. Review status: criteria provided, single submitter. Criteria: ACMG Guidelines, 2015. Collection method: clinical testing. Allele origin: germline.
Comment: The MAX c.302G>A variant is predicted to result in the amino acid substitution p.Ser101Asn. To our knowledge, this variant has not been reported in the literature. This variant is reported in 0.042% of alleles in individuals of South Asian descent in gnomAD. At this time, the clinical significance of this variant is uncertain due to the absence of conclusive functional and genetic evidence.

NM_002382.5(MAX):c.295+491G>A

Gene: MAX (MYC associated transcriptional regulator X; minus strand). Cytogenetic location: 14q23.3.
Variant type: single nucleotide variant.
Coding change: c.295+491G>A on transcript NM_002382.5 (MANE Select); 491 bases into the intron after coding-DNA position 295, G replaced by A.
Molecular consequence: intron variant. On other transcripts: missense variant (18), non-coding transcript variant (4).
Genome position (GRCh38, 1-based): chr14:65,077,422, C>T on the plus strand (G>A on the coding strand, the complement: MAX is on the minus strand). VCF-style: chr14-65077422-C-T. GRCh37 (hg19) VCF-style: chr14-65544140-C-T.
Other names: c.28G>A, p.Ala10Thr (NM_001320415.2, NM_001407105.1, NM_001407106.1 and 1 more transcripts); c.383G>A, p.Ser128Asn (NM_001407096.1, NM_001407097.1); c.356G>A, p.Ser119Asn (NM_001407099.1, NM_001407100.1, NM_001407101.1 and 1 more transcripts); c.302G>A, p.Ser101Asn (NM_001407103.1, NM_001407104.1, NM_145113.3); c.275G>A, p.Ser92Asn (NM_001407108.1, NM_001407109.1, NM_001407110.1); c.16G>A, p.Ala6Thr (NM_001407111.1, NM_001407112.1); c.144+16286G>A (NM_001271069.2); c.171+16286G>A (NM_197957.4); and 4 more; short protein forms A10T, A6T, S128N, S119N, S92N, S101N.
Identifiers: ClinVar variation 4990408 (VCV004990408.2).